The following is an entry in ClinVar:

NM_000455.5(STK11):c.124C>A (p.Arg42=)

Gene: STK11 (serine/threonine kinase 11; plus strand). Cytogenetic location: 19p13.3.
Variant type: single nucleotide variant.
Coding change: c.124C>A on transcript NM_000455.5 (MANE Select); coding-DNA position 124, C replaced by A.
Protein change: p.Arg42=; no amino-acid change (arginine 42 retained).
Molecular consequence: synonymous variant. On other transcripts: non-coding transcript variant (1).
Genome position (GRCh38, 1-based): chr19:1,207,037, C>A. VCF-style: chr19-1207037-C-A. GRCh37 (hg19) VCF-style: chr19-1207036-C-A.
Other names: c.124C>A, p.Arg42= (NM_001407255.1).
Identifiers: ClinVar variation 3904219 (VCV003904219.1).
Genomic context (GRCh38, chr19:1,207,037, plus strand): 5'-ATGGACACGTTCATCCACCGCATCGACTCCACCGAGGTCATCTACCAGCCGCGCCGCAAG[C>A]GGGCCAAGCTCATCGGCAAGTACCTGATGGGGGACCTGCTGGGGGAAGGCTCTTACGGCA-3'
Protein context (NP_000446.1, residues 32-52): TEVIYQPRRK[Arg42=]AKLIGKYLMG

ClinVar aggregate classification (germline): Benign (1 of 4 stars; one submission).

Conditions:
Peutz-Jeghers syndrome (PJS). Also called: POLYPOSIS, HAMARTOMATOUS INTESTINAL; POLYPS-AND-SPOTS SYNDROME; Peutz-Jeghers polyposis; Periorificial lentiginosis syndrome. Identifiers: Orphanet 2869, MedGen C0031269, MeSH D010580, MONDO:0008280, OMIM 175200.

Submission:

Myriad Genetics, Inc.
Classification: Benign for Peutz-Jeghers syndrome. Last evaluated: 2025-03-25. Review status: criteria provided, single submitter. Criteria: Myriad Autosomal Dominant, Autosomal Recessive and X-Linked Classification Criteria (2023). Collection method: clinical testing. Allele origin: unknown.
Comment: This variant is considered benign. This variant is a silent/synonymous amino acid change and it is not expected to impact splicing.